The following is an entry in ClinVar:

NM_001379286.1(ZNF423):c.1939C>T (p.Leu647Phe)

Gene: ZNF423 (zinc finger protein 423; minus strand). Cytogenetic location: 16q12.1.
Variant type: single nucleotide variant.
Coding change: c.1939C>T on transcript NM_001379286.1 (MANE Select); coding-DNA position 1939, C replaced by T.
Protein change: p.Leu647Phe; replaces leucine 647 with phenylalanine.
Molecular consequence: missense variant.
Genome position (GRCh38, 1-based): chr16:49,637,237, G>A on the plus strand (C>T on the coding strand, the complement: ZNF423 is on the minus strand). VCF-style: chr16-49637237-G-A. GRCh37 (hg19) VCF-style: chr16-49671148-G-A.
Other names: c.1735C>T, p.Leu579Phe (NM_001271620.2); c.1564C>T, p.Leu522Phe (NM_001330533.2); c.1915C>T, p.Leu639Phe (NM_015069.5); short protein forms L522F, L579F, L639F, L647F.
Identifiers: ClinVar variation 1023657 (VCV001023657.10), dbSNP rs1186676819, ClinGen allele CA395845552.

ClinVar aggregate classification (germline): Uncertain significance. Review status: criteria provided, multiple submitters, no conflicts (2 of 4 stars). 2 submissions from 2 submitters: Uncertain significance (2). Last evaluated 2020-01-27.

Conditions:
Nephronophthisis 14 (NPHP14). Identifiers: Orphanet 2318, MedGen C3539071, MONDO:0013916, OMIM 614844.

Allele frequency attached by ClinVar (database versions not stated): gnomAD exomes below 0.00001.
gnomAD v4.1: 2 of 1,614,124 alleles (0.00012%); highest among the groups gnomAD compares: Non-Finnish European, 0.00017%; no homozygotes.

Submissions (2):

Labcorp Genetics (formerly Invitae), Labcorp
Classification: Uncertain significance for Nephronophthisis 14. Last evaluated: 2020-01-27. Review status: criteria provided, single submitter. Criteria: Invitae Variant Classification Sherloc (09022015). Collection method: clinical testing. Allele origin: germline.
Comment: This sequence change replaces leucine with phenylalanine at codon 639 of the ZNF423 protein (p.Leu639Phe). The leucine residue is moderately conserved and there is a small physicochemical difference between leucine and phenylalanine. This variant is not present in population databases (ExAC no frequency). This variant has not been reported in the literature in individuals with ZNF423-related conditions. Algorithms developed to predict the effect of missense changes on protein structure and function are either unavailable or do not agree on the potential impact of this missense change (SIFT: "Tolerated"; PolyPhen-2: "Possibly Damaging"; Align-GVGD: "Class C0"). In summary, the available evidence is currently insufficient to determine the role of this variant in disease. Therefore, it has been classified as a Variant of Uncertain Significance.

Blueprint Genetics
Classification: Uncertain significance. Last evaluated: 2017-11-03. Review status: criteria provided, single submitter. Criteria: ACMG Guidelines, 2015. Collection method: clinical testing. Allele origin: germline.